The following is an entry in ClinVar:

ClinVar aggregate classification (germline): Uncertain significance (1 of 4 stars; one submission).

Conditions:
USP9X-related disorder. Also called: USP9X-related condition.

Submission:

PreventionGenetics, part of Exact Sciences
Classification: Uncertain significance for USP9X-related condition. Last evaluated: 2026-02-02. Review status: criteria provided, single submitter. Criteria: ACMG Guidelines, 2015. Collection method: clinical testing. Allele origin: germline.
Comment: The USP9X c.3869A>T variant is predicted to result in the amino acid substitution p.Glu1290Val. To our knowledge, this variant has not been reported in the literature or in a large population database (gnomAD), indicating this variant is rare. At this time, the clinical significance of this variant is uncertain due to the absence of conclusive functional and genetic evidence.

NM_001039591.3(USP9X):c.3869A>T (p.Glu1290Val)

Gene: USP9X (ubiquitin specific peptidase 9 X-linked; plus strand). Cytogenetic location: Xp11.4.
Variant type: single nucleotide variant.
Coding change: c.3869A>T on transcript NM_001039591.3 (MANE Select); coding-DNA position 3869, A replaced by T.
Protein change: p.Glu1290Val; replaces glutamic acid 1290 with valine.
Molecular consequence: missense variant.
Genome position (GRCh38, 1-based): chrX:41,189,367, A>T. VCF-style: chrX-41189367-A-T. GRCh37 (hg19) VCF-style: chrX-41048620-A-T.
Other names: c.3869A>T, p.Glu1290Val (NM_001039590.3); c.3884A>T, p.Glu1295Val (NM_001410748.1, NM_001410749.1, NM_001437534.1); short protein forms E1290V, E1295V.
Identifiers: ClinVar variation 4996687 (VCV004996687.1).